The following is an entry in ClinVar:

NM_032447.5(FBN3):c.8148C>G (p.His2716Gln)

Gene: FBN3 (fibrillin 3; minus strand). Cytogenetic location: 19p13.2.
Variant type: single nucleotide variant.
Coding change: c.8148C>G on transcript NM_032447.5 (MANE Select); coding-DNA position 8148, C replaced by G.
Protein change: p.His2716Gln; replaces histidine 2716 with glutamine.
Molecular consequence: missense variant.
Genome position (GRCh38, 1-based): chr19:8,066,201, G>C on the plus strand (C>G on the coding strand, the complement: FBN3 is on the minus strand). VCF-style: chr19-8066201-G-C. GRCh37 (hg19) VCF-style: chr19-8131085-G-C.
Other names: c.8148C>G, p.His2716Gln (NM_001321431.2); short protein forms H2716Q.
Identifiers: ClinVar variation 4702051 (VCV004702051.1).
Genomic context (GRCh38, chr19:8,066,201, plus strand): 5'-CCGGCCCTCTAGACCCTCCAGGGCCGGCCGGAGCTCCAGGATGCGCTCGGCCCGGCCCAG[G>C]TGTGAGAGGTTCAGGCCCAAGGTCAGCAGGGCCTCGGAGTCAAGGGTGGCCAGGTTCACC-3'
Protein context (NP_115823.3, residues 2706-2726): ALLTLGLNLS[His2716Gln]LGRAERILEL

ClinVar aggregate classification (germline): Uncertain significance (1 of 4 stars; one submission).

Submission:

Labcorp Genetics (formerly Invitae), Labcorp
Classification: Uncertain significance. Last evaluated: 2025-11-30. Review status: criteria provided, single submitter. Criteria: Invitae Variant Classification Sherloc (09022015). Collection method: clinical testing. Allele origin: germline.
Comment: This sequence change replaces histidine, which is basic and polar, with glutamine, which is neutral and polar, at codon 2716 of the FBN3 protein (p.His2716Gln). This variant is present in population databases (no rsID available, gnomAD 0.02%). This variant has not been reported in the literature in individuals affected with FBN3-related conditions. Invitae Evidence Modeling of protein sequence and biophysical properties (such as structural, functional, and spatial information, amino acid conservation, physicochemical variation, residue mobility, and thermodynamic stability) indicates that this missense variant is not expected to disrupt FBN3 protein function with a negative predictive value of 80%. In summary, the available evidence is currently insufficient to determine the role of this variant in disease. Therefore, it has been classified as a Variant of Uncertain Significance.